The following is an entry in ClinVar:

NM_001363711.2(DUOX2):c.4294A>T (p.Ile1432Phe)

Gene: DUOX2 (dual oxidase 2; minus strand). Cytogenetic location: 15q21.1.
Variant type: single nucleotide variant.
Coding change: c.4294A>T on transcript NM_001363711.2 (MANE Select); coding-DNA position 4294, A replaced by T.
Protein change: p.Ile1432Phe; replaces isoleucine 1432 with phenylalanine.
Molecular consequence: missense variant.
Genome position (GRCh38, 1-based): chr15:45,095,037, T>A on the plus strand (A>T on the coding strand, the complement: DUOX2 is on the minus strand). VCF-style: chr15-45095037-T-A. GRCh37 (hg19) VCF-style: chr15-45387235-T-A.
Other names: c.4294A>T, p.Ile1432Phe (NM_014080.5); short protein forms I1432F.
Identifiers: ClinVar variation 2821008 (VCV002821008.3), dbSNP rs2504737741, ClinGen allele CA392250756.

ClinVar aggregate classification (germline): Uncertain significance (1 of 4 stars; one submission).

Submission:

Labcorp Genetics (formerly Invitae), Labcorp
Classification: Uncertain significance. Last evaluated: 2025-12-11. Review status: criteria provided, single submitter. Criteria: Invitae Variant Classification Sherloc (09022015). Collection method: clinical testing. Allele origin: germline.
Comment: This sequence change replaces isoleucine, which is neutral and non-polar, with phenylalanine, which is neutral and non-polar, at codon 1432 of the DUOX2 protein (p.Ile1432Phe). This variant is not present in population databases (gnomAD no frequency). This variant has not been reported in the literature in individuals affected with DUOX2-related conditions. ClinVar contains an entry for this variant (Variation ID: 2821008). Invitae Evidence Modeling of protein sequence and biophysical properties (such as structural, functional, and spatial information, amino acid conservation, physicochemical variation, residue mobility, and thermodynamic stability) indicates that this missense variant is expected to disrupt DUOX2 protein function with a positive predictive value of 95%. In summary, the available evidence is currently insufficient to determine the role of this variant in disease. Therefore, it has been classified as a Variant of Uncertain Significance.